The following is an entry in ClinVar:

ClinVar aggregate classification (germline): Uncertain significance (1 of 4 stars; one submission).

Submission:

Ambry Genetics
Classification: Uncertain significance. Last evaluated: 2022-08-19. Review status: criteria provided, single submitter. Criteria: Ambry Variant Classification Scheme 2023. Collection method: clinical testing. Allele origin: germline.
Comment: The p.V1353I variant (also known as c.4057G>A), located in coding exon 4 of the ALPK2 gene, results from a G to A substitution at nucleotide position 4057. The valine at codon 1353 is replaced by isoleucine, an amino acid with highly similar properties. This amino acid position is conserved. In addition, this alteration is predicted to be tolerated by in silico analysis. Since supporting evidence is limited at this time, the clinical significance of this alteration remains unclear.

NM_052947.4(ALPK2):c.4057G>A (p.Val1353Ile)

Genes: ALPK2 (alpha kinase 2; minus strand), LOC126862764 (BRD4-independent group 4 enhancer GRCh37_chr18:56202574-56203773; plus strand). Cytogenetic location: 18q21.31.
Variant type: single nucleotide variant.
Coding change: c.4057G>A on transcript NM_052947.4 (MANE Select); coding-DNA position 4057, G replaced by A.
Protein change: p.Val1353Ile; replaces valine 1353 with isoleucine.
Molecular consequence: missense variant.
Genome position (GRCh38, 1-based): chr18:58,536,130, C>T on the plus strand (G>A on the coding strand, the complement: ALPK2 is on the minus strand). VCF-style: chr18-58536130-C-T. GRCh37 (hg19) VCF-style: chr18-56203362-C-T.
Other names: short protein forms V1353I.
Identifiers: ClinVar variation 1737421 (VCV001737421.2), dbSNP rs2518875516, ClinGen allele CA402564578.